The following is an entry in ClinVar:

ClinVar aggregate classification (germline): Likely benign (1 of 4 stars; one submission).

Submission:

CeGaT Center for Human Genetics Tuebingen
Classification: Likely benign. Last evaluated: 2026-09-01. Review status: criteria provided, single submitter. Criteria: CeGaT Center For Human Genetics Tuebingen Variant Classification Criteria Version 2. Collection method: clinical testing. Allele origin: germline. Affected: yes. Observed: 4 variant alleles.
Comment: CLCN3: PM2:Supporting, BP4, BP7

NM_001829.4(CLCN3):c.2013A>T (p.Thr671=)

Gene: CLCN3 (Cl-/H+ antiporter 3; plus strand). Cytogenetic location: 4q33.
Variant type: single nucleotide variant.
Coding change: c.2013A>T on transcript NM_001829.4 (MANE Select); coding-DNA position 2013, A replaced by T.
Protein change: p.Thr671=; no amino-acid change (threonine 671 retained).
Molecular consequence: synonymous variant.
Genome position (GRCh38, 1-based): chr4:169,707,130, A>T. VCF-style: chr4-169707130-A-T. GRCh37 (hg19) VCF-style: chr4-170628281-A-T.
Other names: c.1932A>T, p.Thr644= (NM_001243372.2, NM_001243374.2); c.2013A>T, p.Thr671= (NM_173872.4).
Identifiers: ClinVar variation 4873022 (VCV004873022.2).